The following is an entry in ClinVar:

NM_020697.4(KCNS2):c.996C>T (p.Leu332=)

Genes: KCNS2 (potassium voltage-gated channel modifier subfamily S member 2; plus strand), STK3 (serine/threonine kinase 3; minus strand). Cytogenetic location: 8q22.2.
Variant type: single nucleotide variant.
Coding change: c.996C>T on transcript NM_020697.4 (MANE Select); coding-DNA position 996, C replaced by T.
Protein change: p.Leu332=; no amino-acid change (leucine 332 retained).
Molecular consequence: synonymous variant.
Genome position (GRCh38, 1-based): chr8:98,428,975, C>T. VCF-style: chr8-98428975-C-T. GRCh37 (hg19) VCF-style: chr8-99441203-C-T.
Identifiers: ClinVar variation 3387888 (VCV003387888.14).
Genomic context (GRCh38, chr8:98,428,975, plus strand): 5'-CACTGGCCTCCGCTCCCTGGGGGCCACTTTGAAATACAGCTACAAAGAAGTAGGGCTGCT[C>T]TTGCTCTACCTCTCCGTGGGGATTTCCATCTTCTCCGTGGTGGCCTACACCATTGAAAAG-3'
Protein context (NP_065748.1, residues 322-342): LKYSYKEVGL[Leu332=]LLYLSVGISI

ClinVar aggregate classification (germline): Likely benign (1 of 4 stars; one submission).

gnomAD v4.1: 6,782 of 1,614,170 alleles (0.42%); highest among the groups gnomAD compares: Non-Finnish European, 0.5%; 18 homozygotes.

Submission:

CeGaT Center for Human Genetics Tuebingen
Classification: Likely benign. Last evaluated: 2024-10-01. Review status: criteria provided, single submitter. Criteria: CeGaT Center For Human Genetics Tuebingen Variant Classification Criteria Version 2. Collection method: clinical testing. Allele origin: germline. Affected: yes. Observed: 1 variant allele.
Comment: KCNS2: BP4, BP7, BS2